The following is an entry in ClinVar:

NM_001369268.1(ACAN):c.512C>T (p.Ala171Val)

Gene: ACAN (aggrecan; plus strand). Cytogenetic location: 15q26.1.
Variant type: single nucleotide variant.
Coding change: c.512C>T on transcript NM_001369268.1 (MANE Select); coding-DNA position 512, C replaced by T.
Protein change: p.Ala171Val; replaces alanine 171 with valine.
Molecular consequence: missense variant.
Genome position (GRCh38, 1-based): chr15:88,840,069, C>T. VCF-style: chr15-88840069-C-T. GRCh37 (hg19) VCF-style: chr15-89383300-C-T.
Other names: c.512C>T, p.Ala171Val (NM_001135.4, NM_013227.4); short protein forms A171V.
Identifiers: ClinVar variation 546313 (VCV000546313.12), dbSNP rs371065660, ClinGen allele CA274504271.

ClinVar aggregate classification (germline): Uncertain significance. Review status: criteria provided, multiple submitters, no conflicts (2 of 4 stars). 5 submissions from 5 submitters: Uncertain significance (4). 1 of the submissions does not count toward it. Last evaluated 2026-08-06.

Conditions:
Spondyloepimetaphyseal dysplasia, aggrecan type. Also called: SEMD, AGGRECAN TYPE. Identifiers: Orphanet 171866, MedGen C2748544, MONDO:0013014, OMIM 612813.
Monogenic short statue.

Allele frequency attached by ClinVar (database versions not stated): gnomAD 0.00001; gnomAD exomes 0.00001 and 0.00002; TOPMed 0.00002; ESP Exome Variant Server 0.00008.
gnomAD v4.1: 16 of 1,602,486 alleles (0.001%); highest among the groups gnomAD compares: East Asian, 0.0022%; no homozygotes.

Submissions (5):

NHS Central & South Genomic Laboratory Hub
Classification: Uncertain significance for Monogenic short statue. Last evaluated: 2026-08-06. Review status: criteria provided, single submitter. Criteria: ACMG Guidelines, 2015. Collection method: clinical testing. Allele origin: germline. Affected: yes.

Labcorp Genetics (formerly Invitae), Labcorp
Classification: Uncertain significance. Last evaluated: 2025-08-01. Review status: criteria provided, single submitter. Criteria: Invitae Variant Classification Sherloc (09022015). Collection method: clinical testing. Allele origin: germline.
Comment: This sequence change replaces alanine, which is neutral and non-polar, with valine, which is neutral and non-polar, at codon 171 of the ACAN protein (p.Ala171Val). The frequency data for this variant in the population databases is considered unreliable, as metrics indicate poor data quality at this position in the gnomAD database. This missense change has been observed in individual(s) with short stature (PMID: 32871652). ClinVar contains an entry for this variant (Variation ID: 546313). Invitae Evidence Modeling of protein sequence and biophysical properties (such as structural, functional, and spatial information, amino acid conservation, physicochemical variation, residue mobility, and thermodynamic stability) indicates that this missense variant is not expected to disrupt ACAN protein function with a negative predictive value of 80%. In summary, the available evidence is currently insufficient to determine the role of this variant in disease. Therefore, it has been classified as a Variant of Uncertain Significance.

Women's Health and Genetics/Laboratory Corporation of America, LabCorp
Classification: Uncertain significance. Last evaluated: 2023-10-25. Review status: criteria provided, single submitter. Criteria: LabCorp Variant Classification Summary - May 2015. Collection method: clinical testing. Allele origin: germline.
Comment: Variant summary: ACAN c.512C>T (p.Ala171Val) results in a non-conservative amino acid change in the encoded protein sequence. Five of five in-silico tools predict a damaging effect of the variant on protein function. The variant allele was found at a frequency of 1.8e-05 in 228038 control chromosomes (gnomAD). The available data on variant occurrences in the general population are insufficient to allow any conclusion about variant significance. c.512C>T has been reported in the literature in individuals affected with short stature (example: Kim_2020). This report does not provide unequivocal conclusions about association of the variant with ACAN-Related Disorders. To our knowledge, no experimental evidence demonstrating an impact on protein function has been reported. The following publication has been ascertained in the context of this evaluation (PMID: 32871652). Two submitters have cited clinical-significance assessments for this variant to ClinVar after 2014. All submitters classified the variant as uncertain significance. Based on the evidence outlined above, the variant was classified as uncertain significance.

GeneDx
Classification: Uncertain significance. Last evaluated: 2022-10-18. Review status: criteria provided, single submitter. Criteria: GeneDx Variant Classification Process June 2021. Collection method: clinical testing. Allele origin: germline. Affected: yes.
Comment: In silico analysis supports that this missense variant has a deleterious effect on protein structure/function; This variant is associated with the following publications: (PMID: 32871652)

Autoinflammatory diseases unit, CHU de Montpellier
Classification: Likely pathogenic for Spondyloepimetaphyseal dysplasia, aggrecan type. Last evaluated: 2024-03-29. Review status: no assertion criteria provided. Collection method: clinical testing. Allele origin: inherited. Affected: yes. Not counted in ClinVar's aggregate classification.

Literature cited by the submitters: PubMed 32871652 (cited by Labcorp Genetics (formerly Invitae), Labcorp and Women's Health and Genetics/Laboratory Corporation of America, LabCorp).